The following is an entry in ClinVar:

ClinVar aggregate classification (germline): Uncertain significance (1 of 4 stars; one submission).

Submission:

Ambry Genetics
Classification: Uncertain significance. Last evaluated: 2025-07-14. Review status: criteria provided, single submitter. Criteria: Ambry Variant Classification Scheme 2023. Collection method: clinical testing. Allele origin: germline.
Comment: The p.S505A variant (also known as c.1513T>G), located in coding exon 13 of the GEN1 gene, results from a T to G substitution at nucleotide position 1513. The serine at codon 505 is replaced by alanine, an amino acid with similar properties. This amino acid position is conserved. In addition, this alteration is predicted to be tolerated by in silico analysis. Based on the available evidence, the clinical significance of this variant remains unclear.

NM_001130009.3(GEN1):c.1513T>G (p.Ser505Ala)

Gene: GEN1 (GEN1 Holliday junction 5' flap endonuclease; plus strand). Cytogenetic location: 2p24.2.
Variant type: single nucleotide variant.
Coding change: c.1513T>G on transcript NM_001130009.3 (MANE Select); coding-DNA position 1513, T replaced by G.
Protein change: p.Ser505Ala; replaces serine 505 with alanine.
Molecular consequence: missense variant.
Genome position (GRCh38, 1-based): chr2:17,780,725, T>G. VCF-style: chr2-17780725-T-G. GRCh37 (hg19) VCF-style: chr2-17961992-T-G.
Other names: c.1513T>G, p.Ser505Ala (NM_182625.5); short protein forms S505A.
Identifiers: ClinVar variation 4263028 (VCV004263028.1).
Genomic context (GRCh38, chr2:17,780,725, plus strand): 5'-ATGAGCTTTCAGTCACACATGACTTTAAAACCCACATGTGAAATCTTTCATAAGCAGAAT[T>G]CCAAGTTAAATTCGGGGATTTCCCCTGATCCTACATTACCACAGGAATCTATTTCTGCCT-3'
Protein context (NP_001123481.3, residues 495-515): PTCEIFHKQN[Ser505Ala]KLNSGISPDP